The following is an entry in ClinVar:

ClinVar aggregate classification (germline): Uncertain significance (1 of 4 stars; one submission).

Conditions:
Kabuki syndrome. Also called: Kabuki make-up syndrome; NIIKAWA-KUROKI SYNDROME. Identifiers: Orphanet 2322, MedGen C0796004, MONDO:0016512.

Allele frequency attached by ClinVar (database versions not stated): gnomAD exomes below 0.00001; TOPMed below 0.00001.
gnomAD v4.1: 2 of 1,550,288 alleles (0.00013%); highest among the groups gnomAD compares: Non-Finnish European, 0.00017%; no homozygotes.

Submission:

Labcorp Genetics (formerly Invitae), Labcorp
Classification: Uncertain significance for Kabuki syndrome. Last evaluated: 2022-02-03. Review status: criteria provided, single submitter. Criteria: Invitae Variant Classification Sherloc (09022015). Collection method: clinical testing. Allele origin: germline.
Comment: This sequence change replaces leucine, which is neutral and non-polar, with proline, which is neutral and non-polar, at codon 3835 of the KMT2D protein (p.Leu3835Pro). This variant is not present in population databases (gnomAD no frequency). This variant has not been reported in the literature in individuals affected with KMT2D-related conditions. Advanced modeling of protein sequence and biophysical properties (such as structural, functional, and spatial information, amino acid conservation, physicochemical variation, residue mobility, and thermodynamic stability) performed at Invitae indicates that this missense variant is not expected to disrupt KMT2D protein function. In summary, the available evidence is currently insufficient to determine the role of this variant in disease. Therefore, it has been classified as a Variant of Uncertain Significance.

NM_003482.4(KMT2D):c.11504T>C (p.Leu3835Pro)

Gene: KMT2D (lysine methyltransferase 2D; minus strand). Cytogenetic location: 12q13.12.
Variant type: single nucleotide variant.
Coding change: c.11504T>C on transcript NM_003482.4 (MANE Select); coding-DNA position 11504, T replaced by C.
Protein change: p.Leu3835Pro; replaces leucine 3835 with proline.
Molecular consequence: missense variant.
Genome position (GRCh38, 1-based): chr12:49,033,201, A>G on the plus strand (T>C on the coding strand, the complement: KMT2D is on the minus strand). VCF-style: chr12-49033201-A-G. GRCh37 (hg19) VCF-style: chr12-49426984-A-G.
Other names: short protein forms L3835P.
Identifiers: ClinVar variation 2092574 (VCV002092574.4), dbSNP rs1943042451, ClinGen allele CA384718100.
Genomic context (GRCh38, chr12:49,033,201, plus strand): 5'-GCTGTGACCAGCCTGTGTCCCATAAGGCCCTGACCCTGCTGTGCCAGCTGGGGGGAACTG[A>G]GCACCCGGGACTGGGTCATAAGCACCTGTCTGTGAGGGCCCTGGGGGCCCAAAGCTCCAG-3'
Protein context (NP_003473.3, residues 3825-3845): RQVLMTQSRV[Leu3835Pro]SSPQLAQQGQ